The following is an entry in ClinVar:

ClinVar aggregate classification (germline): Pathogenic (1 of 4 stars; one submission).

Conditions:
Familial cancer of breast. Also called: Hereditary breast cancer; BREAST CANCER, FAMILIAL; hereditary breast carcinoma. Identifiers: Orphanet 227535, MedGen C0346153, MONDO:0016419, OMIM 114480. Disease mechanism: loss of function.

Submission:

Myriad Genetics, Inc.
Classification: Pathogenic for Familial cancer of breast. Last evaluated: 2023-05-25. Review status: criteria provided, single submitter. Criteria: Myriad Autosomal Dominant, Autosomal Recessive and X-Linked Classification Criteria (2023). Collection method: clinical testing. Allele origin: unknown.
Comment: This variant is considered pathogenic. This variant creates a frameshift predicted to result in premature protein truncation.

NM_000465.4(BARD1):c.2138del (p.Val713fs)

Gene: BARD1 (BRCA1 associated RING domain 1; minus strand). Cytogenetic location: 2q35.
Variant type: Deletion.
Coding change: c.2138del on transcript NM_000465.4 (MANE Select); coding-DNA position 2138, one base deleted (T; older notation c.2138delT).
Protein change: p.Val713fs; shifts the reading frame from valine 713.
Molecular consequence: frameshift variant. On other transcripts: non-coding transcript variant (3).
Genome position (GRCh38, 1-based): chr2:214,728,872, A deleted on the plus strand (T on the coding strand, the reverse complement: BARD1 is on the minus strand). VCF-style (leftmost placement, unchanged base first): chr2-214728871-CA-C. GRCh37 (hg19) VCF-style: chr2-215593595-CA-C.
Other names: c.2081del, p.Val694fs (NM_001282543.2); c.785del, p.Val262fs (NM_001282545.2); c.728del, p.Val243fs (NM_001282548.2); c.599del, p.Val200fs (NM_001282549.2); short protein forms V200fs, V243fs, V262fs, V694fs, V713fs.
Identifiers: ClinVar variation 2583387 (VCV002583387.2), dbSNP rs2469269959, ClinGen allele CA2582342083.